The following is an entry in ClinVar:

ClinVar aggregate classification (germline): Pathogenic (1 of 4 stars; one submission).

Conditions:
Fanconi anemia (FA). Also called: Fanconi's anemia. Identifiers: Orphanet 84, MedGen C0015625, MeSH D005199, MONDO:0019391.

Submission:

Labcorp Genetics (formerly Invitae), Labcorp
Classification: Pathogenic for Fanconi anemia. Last evaluated: 2023-01-28. Review status: criteria provided, single submitter. Criteria: Invitae Variant Classification Sherloc (09022015). Collection method: clinical testing. Allele origin: germline.
Comment: For these reasons, this variant has been classified as Pathogenic. This sequence change creates a premature translational stop signal (p.Arg1007*) in the FANCD2 gene. It is expected to result in an absent or disrupted protein product. Loss-of-function variants in FANCD2 are known to be pathogenic (PMID: 17436244). This variant is not present in population databases (gnomAD no frequency). This variant has not been reported in the literature in individuals affected with FANCD2-related conditions.

Literature cited by the submitters: PubMed 17436244.

NM_001018115.3(FANCD2):c.3019A>T (p.Arg1007Ter)

Gene: FANCD2 (FA complementation group D2; plus strand). Cytogenetic location: 3p25.3.
Variant type: single nucleotide variant.
Coding change: c.3019A>T on transcript NM_001018115.3 (MANE Select); coding-DNA position 3019, A replaced by T.
Protein change: p.Arg1007Ter; replaces arginine 1007 with a stop codon.
Molecular consequence: nonsense.
Genome position (GRCh38, 1-based): chr3:10,081,142, A>T. VCF-style: chr3-10081142-A-T. GRCh37 (hg19) VCF-style: chr3-10122826-A-T.
Other names: c.3019A>T, p.Arg1007Ter (NM_001319984.2, NM_001374254.1, NM_033084.6); c.2908A>T, p.Arg970Ter (NM_001374253.1); short protein forms R1007*, R970*.
Identifiers: ClinVar variation 2730587 (VCV002730587.3), dbSNP rs2470014699, ClinGen allele CA351747338.